The following is an entry in ClinVar:

ClinVar aggregate classification (germline): Uncertain significance (1 of 4 stars; one submission).

Conditions:
Familial Mediterranean fever (FMF). Also called: POLYSEROSITIS, FAMILIAL PAROXYSMAL; POLYSEROSITIS, RECURRENT; Periodic peritonitis; Benign paroxysmal peritonitis. Identifiers: Orphanet 342, MedGen C0031069, MONDO:0018088, OMIM 249100. Disease mechanism: gain of function.

Allele frequency attached by ClinVar (database versions not stated): gnomAD 0.00001; 1000 Genomes Project 0.00020; ExAC 0.00001; 1000 Genomes Project 30x 0.00031.

Submission:

Labcorp Genetics (formerly Invitae), Labcorp
Classification: Uncertain significance for Familial Mediterranean fever. Last evaluated: 2021-12-24. Review status: criteria provided, single submitter. Criteria: Invitae Variant Classification Sherloc (09022015). Collection method: clinical testing. Allele origin: germline.
Comment: In summary, the available evidence is currently insufficient to determine the role of this variant in disease. Therefore, it has been classified as a Variant of Uncertain Significance. Algorithms developed to predict the effect of missense changes on protein structure and function output the following: SIFT: "Tolerated"; PolyPhen-2: "Benign"; Align-GVGD: "Class C0". The leucine amino acid residue is found in multiple mammalian species, which suggests that this missense change does not adversely affect protein function. This variant has not been reported in the literature in individuals affected with MEFV-related conditions. The frequency data for this variant in the population databases is considered unreliable, as metrics indicate poor data quality at this position in the gnomAD database. This sequence change replaces serine, which is neutral and polar, with leucine, which is neutral and non-polar, at codon 345 of the MEFV protein (p.Ser345Leu).

NM_000243.3(MEFV):c.1034C>T (p.Ser345Leu)

Gene: MEFV (MEFV innate immunity regulator, pyrin; minus strand). Cytogenetic location: 16p13.3.
Variant type: single nucleotide variant.
Coding change: c.1034C>T on transcript NM_000243.3 (MANE Select); coding-DNA position 1034, C replaced by T.
Protein change: p.Ser345Leu; replaces serine 345 with leucine.
Molecular consequence: missense variant.
Genome position (GRCh38, 1-based): chr16:3,249,657, G>A on the plus strand (C>T on the coding strand, the complement: MEFV is on the minus strand). VCF-style: chr16-3249657-G-A. GRCh37 (hg19) VCF-style: chr16-3299657-G-A.
Other names: c.401C>T, p.Ser134Leu (NM_001198536.2); short protein forms S134L, S345L.
Identifiers: ClinVar variation 2056528 (VCV002056528.4), dbSNP rs75446425, ClinGen allele CA7860252.